The following is an entry in ClinVar:

NM_001165963.4(SCN1A):c.4002+2430_4002+2432dup

Genes: SCN1A (sodium voltage-gated channel alpha subunit 1; minus strand), LOC102724058 (uncharacterized LOC102724058; plus strand). Cytogenetic location: 2q24.3.
Variant type: Duplication.
Coding change: c.4002+2430_4002+2432dup on transcript NM_001165963.4 (MANE Select); bases 2430 to 2432 of the intron after coding-DNA position 4002, 3 bases duplicated (ATC; older notation c.4002+2430_4002+2432dupATC).
Molecular consequence: intron variant. On other transcripts: non-coding transcript variant (1).
Genome position (GRCh38, 1-based): chr2:166,007,287-166,007,289, GAT duplicated on the plus strand (ATC on the coding strand, the reverse complement: SCN1A is on the minus strand). VCF-style (leftmost placement, unchanged base first): chr2-166007286-A-AGAT. GRCh37 (hg19) VCF-style: chr2-166863796-A-AGAT.
Other names: c.3969+2430_3969+2432dup (NM_001353949.2, NM_001353950.2, NM_001353951.2 and 2 more transcripts); c.3918+2430_3918+2432dup (NM_001353958.2, NM_001353957.2, NM_001165964.3); c.4002+2430_4002+2432dup (NM_001202435.3, NM_001353948.2); c.3966+2430_3966+2432dup (NM_001353955.2, NM_001353954.2); c.3915+2430_3915+2432dup (NM_001353960.2); c.1560+2430_1560+2432dup (NM_001353961.2).
Identifiers: ClinVar variation 1620085 (VCV001620085.9), dbSNP rs2105547380, ClinGen allele CA2573133060.

ClinVar aggregate classification (germline): Uncertain significance (1 of 4 stars; one submission).

Conditions:
Early-infantile DEE. Also called: Early infantile epileptic encephalopathy with suppression bursts; Ohtahara syndrome; Early infantile epileptic encephalopathy. Identifiers: Orphanet 1934, MedGen C0393706, MONDO:0800491.

Submission:

Labcorp Genetics (formerly Invitae), Labcorp
Classification: Uncertain significance for Early-infantile DEE. Last evaluated: 2025-12-05. Review status: criteria provided, single submitter. Criteria: Invitae Variant Classification Sherloc (09022015). Collection method: clinical testing. Allele origin: germline.
Comment: This sequence change falls in intron 20 of the SCN1A gene. It does not directly change the encoded amino acid sequence of the SCN1A protein. However, this sequence change falls within a region encompassing a cryptic exon in the SCN1A gene, in which variants have been shown to alter splicing (PMID: 30526861, 34107977). This variant is not present in population databases (gnomAD no frequency). This variant has been observed in individuals with clinical features of SCN1A-related conditions (internal data). ClinVar contains an entry for this variant (Variation ID: 1620085). Algorithms developed to predict the effect of sequence changes on RNA splicing suggest that this variant is not likely to affect RNA splicing. In summary, the available evidence is currently insufficient to determine the role of this variant in disease. Therefore, it has been classified as a Variant of Uncertain Significance.

Literature cited by the submitters: PubMed 30526861; PubMed 34107977.